The following is an entry in ClinVar:

NM_002334.4(LRP4):c.3944C>T (p.Ser1315Leu)

Gene: LRP4 (LDL receptor related protein 4; minus strand). Cytogenetic location: 11p11.2.
Variant type: single nucleotide variant.
Coding change: c.3944C>T on transcript NM_002334.4 (MANE Select); coding-DNA position 3944, C replaced by T.
Protein change: p.Ser1315Leu; replaces serine 1315 with leucine.
Molecular consequence: missense variant.
Genome position (GRCh38, 1-based): chr11:46,875,085, G>A on the plus strand (C>T on the coding strand, the complement: LRP4 is on the minus strand). VCF-style: chr11-46875085-G-A. GRCh37 (hg19) VCF-style: chr11-46896636-G-A.
Other names: short protein forms S1315L.
Identifiers: ClinVar variation 304864 (VCV000304864.29), dbSNP rs150681693, ClinGen allele CA5969432.

ClinVar aggregate classification (germline): Conflicting classifications of pathogenicity. Review status: criteria provided, conflicting classifications (1 of 4 stars). 8 submissions from 8 submitters: Uncertain significance (6); Likely benign (2). Last evaluated 2026-01-12.

Conditions:
Cenani-Lenz syndactyly syndrome. Also called: CENANI SYNDACTYLISM; SYNDACTYLY, TYPE VII. Identifiers: Orphanet 3258, MedGen C1859309, MONDO:0008931, OMIM 212780.
Sclerosteosis 2 (SOST2). Identifiers: Orphanet 3152, MedGen C3280402, MONDO:0013679, OMIM 614305.
Congenital myasthenic syndrome 17. Identifiers: Orphanet 590, MedGen C4225377, MONDO:0014578, OMIM 616304.
Inborn genetic diseases. Identifiers: MedGen C0950123, MeSH D030342.

Allele frequency attached by ClinVar (database versions not stated): gnomAD 0.00046 and 0.00042; TOPMed 0.00049; 1000 Genomes Project 0.00060; 1000 Genomes Project 30x 0.00062; gnomAD exomes 0.00079 and 0.00045; ESP Exome Variant Server 0.00085; ExAC 0.00045.
gnomAD v4.1: 1,239 of 1,613,310 alleles (0.077%); highest among the groups gnomAD compares: Non-Finnish European, 0.097%; 6 homozygotes.

Submissions (8):

Labcorp Genetics (formerly Invitae), Labcorp
Classification: Likely benign for Cenani-Lenz syndactyly syndrome; Sclerosteosis 2; Congenital myasthenic syndrome 17. Last evaluated: 2026-01-12. Review status: criteria provided, single submitter. Criteria: Invitae Variant Classification Sherloc (09022015). Collection method: clinical testing. Allele origin: germline.

Revvity Omics, Revvity
Classification: Uncertain significance. Last evaluated: 2025-05-04. Review status: criteria provided, single submitter. Criteria: ACMG Guidelines, 2015. Collection method: clinical testing. Allele origin: germline.

Blueprint Genetics
Classification: Likely benign. Last evaluated: 2024-11-27. Review status: criteria provided, single submitter. Criteria: ACMG Guidelines, 2015. Collection method: clinical testing. Allele origin: germline.

GeneDx
Classification: Uncertain significance. Last evaluated: 2022-09-16. Review status: criteria provided, single submitter. Criteria: GeneDx Variant Classification Process June 2021. Collection method: clinical testing. Allele origin: germline. Affected: yes.
Comment: In silico analysis supports that this missense variant does not alter protein structure/function; Has not been previously published as pathogenic or benign to our knowledge

Ambry Genetics
Classification: Uncertain significance for Inborn genetic diseases. Last evaluated: 2021-08-16. Review status: criteria provided, single submitter. Criteria: Ambry Variant Classification Scheme 2023. Collection method: clinical testing. Allele origin: germline.

Eurofins Ntd Llc (ga)
Classification: Uncertain significance. Last evaluated: 2018-06-27. Review status: criteria provided, single submitter. Criteria: EGL ClinVar v180209 classification definitions. Collection method: clinical testing. Allele origin: germline. Observed: 1 variant allele, 1 heterozygote.

Genetic Services Laboratory, University of Chicago
Classification: Uncertain significance. Last evaluated: 2017-09-14. Review status: criteria provided, single submitter. Criteria: ACMG Guidelines, 2015. Collection method: clinical testing. Allele origin: germline. Affected: no.

Illumina Laboratory Services, Illumina
Classification: Uncertain significance for Cenani-Lenz syndactyly syndrome. Last evaluated: 2017-04-27. Review status: criteria provided, single submitter. Criteria: ICSL Variant Classification Criteria 13 December 2019. Collection method: clinical testing. Allele origin: germline.